The following is an entry in ClinVar:

ClinVar aggregate classification (germline): Uncertain significance (1 of 4 stars; one submission).

Conditions:
Spastic paraplegia. Identifiers: MedGen C0037772, HP:0001258.

Allele frequency attached by ClinVar (database versions not stated): gnomAD exomes below 0.00001.
gnomAD v4.1: 3 of 1,611,168 alleles (0.00019%); highest among the groups gnomAD compares: Non-Finnish European, 0.00025%; no homozygotes.

Submission:

Labcorp Genetics (formerly Invitae), Labcorp
Classification: Uncertain significance for Spastic paraplegia. Last evaluated: 2025-04-17. Review status: criteria provided, single submitter. Criteria: Invitae Variant Classification Sherloc (09022015). Collection method: clinical testing. Allele origin: germline.
Comment: This sequence change replaces isoleucine, which is neutral and non-polar, with valine, which is neutral and non-polar, at codon 1585 of the SACS protein (p.Ile1585Val). This variant is not present in population databases (gnomAD no frequency). This variant has not been reported in the literature in individuals affected with SACS-related conditions. ClinVar contains an entry for this variant (Variation ID: 1475436). Invitae Evidence Modeling of protein sequence and biophysical properties (such as structural, functional, and spatial information, amino acid conservation, physicochemical variation, residue mobility, and thermodynamic stability) indicates that this missense variant is not expected to disrupt SACS protein function with a negative predictive value of 95%. In summary, the available evidence is currently insufficient to determine the role of this variant in disease. Therefore, it has been classified as a Variant of Uncertain Significance.

NM_014363.6(SACS):c.4753A>G (p.Ile1585Val)

Gene: SACS (sacsin molecular chaperone; minus strand). Cytogenetic location: 13q12.12.
Variant type: single nucleotide variant.
Coding change: c.4753A>G on transcript NM_014363.6 (MANE Select); coding-DNA position 4753, A replaced by G.
Protein change: p.Ile1585Val; replaces isoleucine 1585 with valine.
Molecular consequence: missense variant.
Genome position (GRCh38, 1-based): chr13:23,339,123, T>C on the plus strand (A>G on the coding strand, the complement: SACS is on the minus strand). VCF-style: chr13-23339123-T-C. GRCh37 (hg19) VCF-style: chr13-23913262-T-C.
Other names: c.4312A>G, p.Ile1438Val (NM_001278055.2); short protein forms I1438V, I1585V.
Identifiers: ClinVar variation 1475436 (VCV001475436.7), dbSNP rs2137624716, ClinGen allele CA387527833.